The following is an entry in ClinVar:

NM_152468.5(TMC8):c.1304T>G (p.Phe435Cys)

Gene: TMC8 (transmembrane channel like 8; plus strand). Cytogenetic location: 17q25.3.
Variant type: single nucleotide variant.
Coding change: c.1304T>G on transcript NM_152468.5 (MANE Select); coding-DNA position 1304, T replaced by G.
Protein change: p.Phe435Cys; replaces phenylalanine 435 with cysteine.
Molecular consequence: missense variant.
Genome position (GRCh38, 1-based): chr17:78,137,769, T>G. VCF-style: chr17-78137769-T-G. GRCh37 (hg19) VCF-style: chr17-76133850-T-G.
Other names: short protein forms F435C.
Identifiers: ClinVar variation 1346671 (VCV001346671.6), dbSNP rs2075271531, ClinGen allele CA401249461.

ClinVar aggregate classification (germline): Uncertain significance (1 of 4 stars; one submission).

Conditions:
Epidermodysplasia verruciformis. Identifiers: Orphanet 302, MedGen C0014522, MONDO:0009176.

Allele frequency attached by ClinVar (database versions not stated): gnomAD exomes below 0.00001; TOPMed below 0.00001; gnomAD 0.00001.
gnomAD v4.1: 2 of 1,613,464 alleles (0.00012%); highest among the groups gnomAD compares: Non-Finnish European, 0.00017%; no homozygotes.

Submission:

Labcorp Genetics (formerly Invitae), Labcorp
Classification: Uncertain significance for Epidermodysplasia verruciformis. Last evaluated: 2022-10-17. Review status: criteria provided, single submitter. Criteria: Invitae Variant Classification Sherloc (09022015). Collection method: clinical testing. Allele origin: germline.
Comment: This variant is not present in population databases (gnomAD no frequency). This sequence change replaces phenylalanine, which is neutral and non-polar, with cysteine, which is neutral and slightly polar, at codon 435 of the TMC8 protein (p.Phe435Cys). This variant has not been reported in the literature in individuals affected with TMC8-related conditions. In summary, the available evidence is currently insufficient to determine the role of this variant in disease. Therefore, it has been classified as a Variant of Uncertain Significance. Advanced modeling of protein sequence and biophysical properties (such as structural, functional, and spatial information, amino acid conservation, physicochemical variation, residue mobility, and thermodynamic stability) performed at Invitae indicates that this missense variant is expected to disrupt TMC8 protein function. ClinVar contains an entry for this variant (Variation ID: 1346671).